The following is an entry in ClinVar:

ClinVar aggregate classification (germline): Uncertain significance (1 of 4 stars; one submission).

Conditions:
Adams-Oliver syndrome 5 (AOS5). Identifiers: Orphanet 974, MedGen C4014970, MONDO:0014459, OMIM 616028.

Submission:

Labcorp Genetics (formerly Invitae), Labcorp
Classification: Uncertain significance for Adams-Oliver syndrome 5. Last evaluated: 2022-08-20. Review status: criteria provided, single submitter. Criteria: Invitae Variant Classification Sherloc (09022015). Collection method: clinical testing. Allele origin: germline.
Comment: This sequence change replaces valine, which is neutral and non-polar, with leucine, which is neutral and non-polar, at codon 1099 of the NOTCH1 protein (p.Val1099Leu). This variant is not present in population databases (gnomAD no frequency). This variant has not been reported in the literature in individuals affected with NOTCH1-related conditions. Advanced modeling of protein sequence and biophysical properties (such as structural, functional, and spatial information, amino acid conservation, physicochemical variation, residue mobility, and thermodynamic stability) performed at Invitae indicates that this missense variant is not expected to disrupt NOTCH1 protein function. In summary, the available evidence is currently insufficient to determine the role of this variant in disease. Therefore, it has been classified as a Variant of Uncertain Significance.

NM_017617.5(NOTCH1):c.3295G>T (p.Val1099Leu)

Gene: NOTCH1 (notch receptor 1; minus strand). Cytogenetic location: 9q34.3.
Variant type: single nucleotide variant.
Coding change: c.3295G>T on transcript NM_017617.5 (MANE Select); coding-DNA position 3295, G replaced by T.
Protein change: p.Val1099Leu; replaces valine 1099 with leucine.
Molecular consequence: missense variant.
Genome position (GRCh38, 1-based): chr9:136,508,262, C>A on the plus strand (G>T on the coding strand, the complement: NOTCH1 is on the minus strand). VCF-style: chr9-136508262-C-A. GRCh37 (hg19) VCF-style: chr9-139402714-C-A.
Other names: short protein forms V1099L.
Identifiers: ClinVar variation 1717114 (VCV001717114.5), dbSNP rs1843121423, ClinGen allele CA375551890.